The following is an entry in ClinVar:

ClinVar aggregate classification (germline): Likely benign. Review status: criteria provided, multiple submitters, no conflicts (2 of 4 stars). 4 submissions from 4 submitters: Likely benign (4). Last evaluated 2025-06-01.

Conditions:
Hereditary cancer-predisposing syndrome. Also called: Tumor predisposition; Hereditary neoplastic syndrome; Hereditary Cancer Syndrome; Neoplastic Syndromes, Hereditary. Identifiers: Orphanet 140162, MedGen C0027672, MeSH D009386, MONDO:0015356.
Microcephaly, normal intelligence and immunodeficiency (NBS). Also called: Nijmegen breakage syndrome; BERLIN BREAKAGE SYNDROME; Ataxia telangiectasia variant V1; SEEMANOVA SYNDROME II; IMMUNODEFICIENCY, MICROCEPHALY, AND CHROMOSOMAL INSTABILITY; Immunodeficiency, microcephaly with normal intelligence. Identifiers: Orphanet 647, MedGen C0398791, MONDO:0009623, OMIM 251260.

Allele frequency attached by ClinVar (database versions not stated): TOPMed below 0.00001; ExAC 0.00001; gnomAD 0.00001; gnomAD exomes 0.00001 and 0.00002.
gnomAD v4.1: 21 of 1,612,478 alleles (0.0013%); highest among the groups gnomAD compares: East Asian, 0.0022%; no homozygotes.

Submissions (4):

CeGaT Center for Human Genetics Tuebingen
Classification: Likely benign. Last evaluated: 2025-06-01. Review status: criteria provided, single submitter. Criteria: CeGaT Center For Human Genetics Tuebingen Variant Classification Criteria Version 2. Collection method: clinical testing. Allele origin: germline. Affected: yes. Observed: 1 variant allele.
Comment: NBN: BP4, BP7

Labcorp Genetics (formerly Invitae), Labcorp
Classification: Likely benign for Microcephaly, normal intelligence and immunodeficiency. Last evaluated: 2024-04-30. Review status: criteria provided, single submitter. Criteria: Invitae Variant Classification Sherloc (09022015). Collection method: clinical testing. Allele origin: germline.

Women's Health and Genetics/Laboratory Corporation of America, LabCorp
Classification: Likely benign. Last evaluated: 2019-08-29. Review status: criteria provided, single submitter. Criteria: LabCorp Variant Classification Summary - May 2015. Collection method: clinical testing. Allele origin: germline.

Ambry Genetics
Classification: Likely benign for Hereditary cancer-predisposing syndrome. Last evaluated: 2015-01-30. Review status: criteria provided, single submitter. Criteria: Ambry Variant Classification Scheme 2023. Collection method: clinical testing. Allele origin: germline.

NM_002485.5(NBN):c.384A>G (p.Leu128=)

Gene: NBN (nibrin; minus strand). Cytogenetic location: 8q21.3.
Variant type: single nucleotide variant.
Coding change: c.384A>G on transcript NM_002485.5 (MANE Select); coding-DNA position 384, A replaced by G.
Protein change: p.Leu128=; no amino-acid change (leucine 128 retained).
Molecular consequence: synonymous variant.
Genome position (GRCh38, 1-based): chr8:89,980,830, T>C on the plus strand (A>G on the coding strand, the complement: NBN is on the minus strand). VCF-style: chr8-89980830-T-C. GRCh37 (hg19) VCF-style: chr8-90993058-T-C.
Other names: c.138A>G, p.Leu46= (NM_001024688.3).
Identifiers: ClinVar variation 136045 (VCV000136045.29), dbSNP rs587780782, ClinGen allele CA332823.